The following is an entry in ClinVar:

ClinVar aggregate classification (germline): Uncertain significance. Review status: criteria provided, multiple submitters, no conflicts (2 of 4 stars). 3 submissions from 3 submitters: Uncertain significance (3). Last evaluated 2025-10-29.

Conditions:
Hereditary cancer-predisposing syndrome. Also called: Neoplastic Syndromes, Hereditary; Tumor predisposition; Hereditary Cancer Syndrome; Hereditary neoplastic syndrome. Identifiers: Orphanet 140162, MedGen C0027672, MeSH D009386, MONDO:0015356.
Cardiovascular phenotype. Identifiers: MedGen CN230736.
Neurofibromatosis, type 1 (NF1). Also called: VON RECKLINGHAUSEN DISEASE; NEUROFIBROMATOSIS, TYPE I, SOMATIC; Peripheral type neurofibromatosis; Neurofibromatosis, type I. Identifiers: Orphanet 636, MedGen C0027831, MONDO:0018975, OMIM 162200. Disease mechanism: loss of function.

Submissions (3):

Labcorp Genetics (formerly Invitae), Labcorp
Classification: Uncertain significance for Neurofibromatosis, type 1. Last evaluated: 2025-10-29. Review status: criteria provided, single submitter. Criteria: Invitae Variant Classification Sherloc (09022015). Collection method: clinical testing. Allele origin: germline.
Comment: This sequence change replaces proline, which is neutral and non-polar, with leucine, which is neutral and non-polar, at codon 238 of the NF1 protein (p.Pro238Leu). This variant is not present in population databases (gnomAD no frequency). This variant has not been reported in the literature in individuals affected with NF1-related conditions. ClinVar contains an entry for this variant (Variation ID: 560799). Invitae Evidence Modeling of protein sequence and biophysical properties (such as structural, functional, and spatial information, amino acid conservation, physicochemical variation, residue mobility, and thermodynamic stability) indicates that this missense variant is expected to disrupt NF1 protein function with a positive predictive value of 95%. In summary, the available evidence is currently insufficient to determine the role of this variant in disease. Therefore, it has been classified as a Variant of Uncertain Significance.

Ambry Genetics
Classification: Uncertain significance for Cardiovascular phenotype; Hereditary cancer-predisposing syndrome. Last evaluated: 2025-01-15. Review status: criteria provided, single submitter. Criteria: Ambry Variant Classification Scheme 2023. Collection method: clinical testing. Allele origin: germline.
Comment: The p.P238L variant (also known as c.713C>T), located in coding exon 7 of the NF1 gene, results from a C to T substitution at nucleotide position 713. The proline at codon 238 is replaced by leucine, an amino acid with similar properties. This amino acid position is highly conserved in available vertebrate species. In addition, this alteration is predicted to be deleterious by in silico analysis. Based on the available evidence, the clinical significance of this variant remains unclear.

PreventionGenetics, part of Exact Sciences
Classification: Uncertain significance. Last evaluated: 2017-01-30. Review status: criteria provided, single submitter. Criteria: ACMG Guidelines, 2015. Collection method: clinical testing. Allele origin: germline.

NM_001042492.3(NF1):c.713C>T (p.Pro238Leu)

Gene: NF1 (neurofibromin 1; plus strand). Cytogenetic location: 17q11.2.
Variant type: single nucleotide variant.
Coding change: c.713C>T on transcript NM_001042492.3 (MANE Select); coding-DNA position 713, C replaced by T.
Protein change: p.Pro238Leu; replaces proline 238 with leucine.
Molecular consequence: missense variant.
Genome position (GRCh38, 1-based): chr17:31,181,768, C>T. VCF-style: chr17-31181768-C-T. GRCh37 (hg19) VCF-style: chr17-29508786-C-T.
Other names: c.713C>T, p.Pro238Leu (NM_000267.4, NM_001128147.3); short protein forms P238L.
Identifiers: ClinVar variation 560799 (VCV000560799.6), dbSNP rs1567826152, ClinGen allele CA398990133.